The following is an entry in ClinVar:

ClinVar aggregate classification (germline): Uncertain significance (1 of 4 stars; one submission).

Conditions:
Autosomal dominant nonsyndromic hearing loss 65. Also called: Deafness, autosomal dominant 65; TBC1D24-Related Autosomal Dominant Nonsyndromic Hearing Loss (DFNA). Identifiers: Orphanet 90635, MedGen C3892048, MONDO:0014470, OMIM 616044.
Developmental and epileptic encephalopathy, 1 (DEE1). Also called: X-linked infantile spasms; West's syndrome; Tonic spasms with clustering, arrest of psychomotor development and hypsarrhythmia on EEG; X-Linked Infantile Spasm Syndrome; OHTAHARA SYNDROME, X-LINKED; INFANTILE SPASM SYNDROME, X-LINKED 1. Identifiers: MedGen C3463992, MONDO:0010632, OMIM 308350. Disease mechanism: loss of function.

Submission:

Labcorp Genetics (formerly Invitae), Labcorp
Classification: Uncertain significance for Developmental and epileptic encephalopathy, 1; Autosomal dominant nonsyndromic hearing loss 65. Last evaluated: 2022-09-01. Review status: criteria provided, single submitter. Criteria: Invitae Variant Classification Sherloc (09022015). Collection method: clinical testing. Allele origin: germline.
Comment: In summary, the available evidence is currently insufficient to determine the role of this variant in disease. Therefore, it has been classified as a Variant of Uncertain Significance. Algorithms developed to predict the effect of missense changes on protein structure and function (SIFT, PolyPhen-2, Align-GVGD) all suggest that this variant is likely to be tolerated. ClinVar contains an entry for this variant (Variation ID: 1446262). This variant has not been reported in the literature in individuals affected with TBC1D24-related conditions. This variant is not present in population databases (gnomAD no frequency). This sequence change replaces alanine, which is neutral and non-polar, with glycine, which is neutral and non-polar, at codon 175 of the TBC1D24 protein (p.Ala175Gly).

NM_001199107.2(TBC1D24):c.524C>G (p.Ala175Gly)

Gene: TBC1D24 (TBC1 domain family member 24; plus strand). Cytogenetic location: 16p13.3.
Variant type: single nucleotide variant.
Coding change: c.524C>G on transcript NM_001199107.2 (MANE Select); coding-DNA position 524, C replaced by G.
Protein change: p.Ala175Gly; replaces alanine 175 with glycine.
Molecular consequence: missense variant.
Genome position (GRCh38, 1-based): chr16:2,496,672, C>G. VCF-style: chr16-2496672-C-G. GRCh37 (hg19) VCF-style: chr16-2546673-C-G.
Other names: c.524C>G, p.Ala175Gly (NM_020705.3); short protein forms A175G.
Identifiers: ClinVar variation 1446262 (VCV001446262.6), dbSNP rs2065744128, ClinGen allele CA394376395.